The following is an entry in ClinVar:

NM_153443.5(KIR3DL3):c.656G>A (p.Gly219Asp)

Gene: KIR3DL3 (killer cell immunoglobulin like receptor, three Ig domains and long cytoplasmic tail 3). Cytogenetic location: 19q13.42.
Variant type: single nucleotide variant.
Coding change: c.656G>A on transcript NM_153443.5 (MANE Select); coding-DNA position 656, G replaced by A.
Protein change: p.Gly219Asp; replaces glycine 219 with aspartic acid.
Molecular consequence: missense variant.
Genome position (GRCh38, 1-based): chr19:54,729,493, G>A. VCF-style: chr19-54729493-G-A. GRCh37 (hg19) VCF-style: chr19-55240959-G-A.
Other names: short protein forms G219D.
Identifiers: ClinVar variation 4872003 (VCV004872003.2).

ClinVar aggregate classification (germline): Benign (1 of 4 stars; one submission).

gnomAD v4.1: 2,737 of 1,597,890 alleles (0.17%); highest among the groups gnomAD compares: Middle Eastern, 2.2%; 12 homozygotes.

Submission:

CeGaT Center for Human Genetics Tuebingen
Classification: Benign. Last evaluated: 2026-04-01. Review status: criteria provided, single submitter. Criteria: CeGaT Center For Human Genetics Tuebingen Variant Classification Criteria Version 2. Collection method: clinical testing. Allele origin: germline. Affected: yes. Observed: 1 variant allele.
Comment: KIR3DL3: BS1, BS2